The following is an entry in ClinVar:

ClinVar aggregate classification (germline): Conflicting classifications of pathogenicity. Review status: criteria provided, conflicting classifications (1 of 4 stars). 3 submissions from 3 submitters: Likely pathogenic (2); Uncertain significance (1). Last evaluated 2025-04-02.

Conditions:
Spondyloepiphyseal dysplasia with congenital joint dislocations (SEDCJD). Also called: Chondrodysplasia with Congenital Joint Dislocations, CHST3-Related. Identifiers: Orphanet 263463, MedGen C1837657, MONDO:0007738, OMIM 143095.

Allele frequency attached by ClinVar (database versions not stated): gnomAD exomes below 0.00001; ExAC 0.00001.
gnomAD v4.1: 3 of 1,605,646 alleles (0.00019%); highest among the groups gnomAD compares: South Asian, 0.0022%; no homozygotes.

Submissions (3):

GeneDx
Classification: Likely pathogenic. Last evaluated: 2025-04-02. Review status: criteria provided, single submitter. Criteria: GeneDx Variant Classification Process June 2021. Collection method: clinical testing. Allele origin: germline. Affected: yes.
Comment: Not observed at significant frequency in large population cohorts (gnomAD); In silico analysis indicates that this missense variant does not alter protein structure/function; This variant is associated with the following publications: (PMID: 37876363)

Labcorp Genetics (formerly Invitae), Labcorp
Classification: Uncertain significance for Spondyloepiphyseal dysplasia with congenital joint dislocations. Last evaluated: 2022-07-30. Review status: criteria provided, single submitter. Criteria: Invitae Variant Classification Sherloc (09022015). Collection method: clinical testing. Allele origin: germline.
Comment: ClinVar contains an entry for this variant (Variation ID: 1307014). In summary, the available evidence is currently insufficient to determine the role of this variant in disease. Therefore, it has been classified as a Variant of Uncertain Significance. Algorithms developed to predict the effect of missense changes on protein structure and function are either unavailable or do not agree on the potential impact of this missense change (SIFT: "Deleterious"; PolyPhen-2: "Probably Damaging"; Align-GVGD: "Class C0"). This missense change has been observed in individual(s) with CHST3-related conditions (Invitae). The frequency data for this variant in the population databases is considered unreliable, as metrics indicate poor data quality at this position in the gnomAD database. This sequence change replaces glutamic acid, which is acidic and polar, with lysine, which is basic and polar, at codon 230 of the CHST3 protein (p.Glu230Lys).

Kasturba Medical College, Manipal, Kasturba Medical College, Manipal, Manipal Academy of Higher Education, Manipal, India
Classification: Likely pathogenic for Spondyloepiphyseal dysplasia with congenital joint dislocations. Last evaluated: 2022-05-09. Review status: criteria provided, single submitter. Criteria: ACMG Guidelines, 2015. Collection method: clinical testing. Allele origin: germline. Affected: yes.

NM_004273.5(CHST3):c.688G>A (p.Glu230Lys)

Gene: CHST3 (carbohydrate sulfotransferase 3; plus strand). Cytogenetic location: 10q22.1.
Variant type: single nucleotide variant.
Coding change: c.688G>A on transcript NM_004273.5 (MANE Select); coding-DNA position 688, G replaced by A.
Protein change: p.Glu230Lys; replaces glutamic acid 230 with lysine.
Molecular consequence: missense variant.
Genome position (GRCh38, 1-based): chr10:72,007,719, G>A. VCF-style: chr10-72007719-G-A. GRCh37 (hg19) VCF-style: chr10-73767477-G-A.
Other names: short protein forms E230K.
Identifiers: ClinVar variation 1307014 (VCV001307014.10), dbSNP rs774599785, ClinGen allele CA5548147.